The following is an entry in ClinVar:

NM_006766.5(KAT6A):c.896G>T (p.Arg299Leu)

Gene: KAT6A (lysine acetyltransferase 6A; minus strand). Cytogenetic location: 8p11.21.
Variant type: single nucleotide variant.
Coding change: c.896G>T on transcript NM_006766.5 (MANE Select); coding-DNA position 896, G replaced by T.
Protein change: p.Arg299Leu; replaces arginine 299 with leucine.
Molecular consequence: missense variant.
Genome position (GRCh38, 1-based): chr8:41,980,857, C>A on the plus strand (G>T on the coding strand, the complement: KAT6A is on the minus strand). VCF-style: chr8-41980857-C-A. GRCh37 (hg19) VCF-style: chr8-41838375-C-A.
Other names: c.896G>T, p.Arg299Leu (NM_001305878.2); short protein forms R299L.
Identifiers: ClinVar variation 3372607 (VCV003372607.3).
Genomic context (GRCh38, chr8:41,980,857, plus strand): 5'-TAACATCCTCCTTTATATTCCCAGTTTTATTTCAGAAAGTATTTCTCACCTTTTGGCATA[C>A]GGGTGAGTGGCGGATCACAACACTCCATGTGAAAACCTCGGTCACATGAATCACAAAAGA-3'
Protein context (NP_006757.2, residues 289-309): HMECCDPPLT[Arg299Leu]MPKGMWICQI

ClinVar aggregate classification (germline): Uncertain significance. Review status: criteria provided, multiple submitters, no conflicts (2 of 4 stars). 2 submissions from 2 submitters: Uncertain significance (2). Last evaluated 2026-07-22.

gnomAD v4.1: 3 of 1,610,314 alleles (0.00019%); highest among the groups gnomAD compares: South Asian, 0.0022%; no homozygotes.

Submissions (2):

GeneDx
Classification: Uncertain significance. Last evaluated: 2026-07-22. Review status: criteria provided, single submitter. Criteria: GeneDx Variant Classification Process June 2021. Collection method: clinical testing. Allele origin: germline.
Comment: Not observed at significant frequency in large population cohorts (gnomAD); In silico analysis supports that this missense variant has a deleterious effect on protein structure/function; Has not been previously published as pathogenic or benign to our knowledge

Labcorp Genetics (formerly Invitae), Labcorp
Classification: Uncertain significance. Last evaluated: 2025-03-23. Review status: criteria provided, single submitter. Criteria: Invitae Variant Classification Sherloc (09022015). Collection method: clinical testing. Allele origin: germline.
Comment: This sequence change replaces arginine, which is basic and polar, with leucine, which is neutral and non-polar, at codon 299 of the KAT6A protein (p.Arg299Leu). This variant is not present in population databases (gnomAD no frequency). This variant has not been reported in the literature in individuals affected with KAT6A-related conditions. ClinVar contains an entry for this variant (Variation ID: 3372607). Invitae Evidence Modeling of protein sequence and biophysical properties (such as structural, functional, and spatial information, amino acid conservation, physicochemical variation, residue mobility, and thermodynamic stability) indicates that this missense variant is not expected to disrupt KAT6A protein function with a negative predictive value of 95%. In summary, the available evidence is currently insufficient to determine the role of this variant in disease. Therefore, it has been classified as a Variant of Uncertain Significance.